The following is an entry in ClinVar:

NM_005359.6:c.1309_1447del

Gene: SMAD4 (SMAD family member 4; plus strand).
Variant type: Deletion.
Other names: c.1309_1447del (NM_005359.6).
Identifiers: ClinVar variation 993090 (VCV000993090.1).

ClinVar aggregate classification (germline): Pathogenic (1 of 4 stars; one submission).

Submission:

Quest Diagnostics Nichols Institute San Juan Capistrano
Classification: Pathogenic. Last evaluated: 2019-12-17. Review status: criteria provided, single submitter. Criteria: Quest Diagnostics criteria. Collection method: clinical testing. Allele origin: unknown.
Comment: The variant results in the deletion of at least one complete exon, and is therefore predicted to result in the loss of a functional protein. Found in at least one patient with expected phenotype for this gene, and not found in general population data.